The following is an entry in ClinVar:

ClinVar aggregate classification (germline): Likely benign. Review status: criteria provided, multiple submitters, no conflicts (2 of 4 stars). 3 submissions from 3 submitters: Likely benign (2). 1 of the submissions does not count toward it. Last evaluated 2026-01-08.

Conditions:
SIAE-related disorder. Also called: SIAE-related condition.

Allele frequency attached by ClinVar (database versions not stated): ExAC 0.00040; ESP Exome Variant Server 0.00092; gnomAD 0.00124 and 0.00136; 1000 Genomes Project 0.00140; 1000 Genomes Project 30x 0.00141.
gnomAD v4.1: 405 of 1,613,552 alleles (0.025%); highest among the groups gnomAD compares: African/African-American, 0.4%; no homozygotes.

Submissions (3):

Labcorp Genetics (formerly Invitae), Labcorp
Classification: Likely benign. Last evaluated: 2026-01-08. Review status: criteria provided, single submitter. Criteria: Invitae Variant Classification Sherloc (09022015). Collection method: clinical testing. Allele origin: germline.

Breakthrough Genomics
Classification: Likely benign. Review status: criteria provided, single submitter. Criteria: ACMG Guidelines, 2015. Collection method: not provided. Allele origin: germline. Inheritance: Unknown mechanism. Affected: yes.

PreventionGenetics, part of Exact Sciences
Classification: Likely benign for SIAE-related condition. Last evaluated: 2023-04-24. Review status: no assertion criteria provided. Collection method: clinical testing. Allele origin: germline. Not counted in ClinVar's aggregate classification.
Comment: This variant is classified as likely benign based on ACMG/AMP sequence variant interpretation guidelines (Richards et al. 2015 PMID: 25741868, with internal and published modifications).

NM_170601.5(SIAE):c.8C>G (p.Ala3Gly)

Gene: SIAE (sialic acid acetylesterase; minus strand). Cytogenetic location: 11q24.2.
Variant type: single nucleotide variant.
Coding change: c.8C>G on transcript NM_170601.5 (MANE Select); coding-DNA position 8, C replaced by G.
Protein change: p.Ala3Gly; replaces alanine 3 with glycine.
Molecular consequence: missense variant. On other transcripts: intron variant (1).
Genome position (GRCh38, 1-based): chr11:124,673,701, G>C on the plus strand (C>G on the coding strand, the complement: SIAE is on the minus strand). VCF-style: chr11-124673701-G-C. GRCh37 (hg19) VCF-style: chr11-124543597-G-C.
Other names: c.-39+1557C>G (NM_001199922.2); c.8C>G (NM_170601.4); short protein forms A3G.
Identifiers: ClinVar variation 1156883 (VCV001156883.12), dbSNP rs144571829, ClinGen allele CA6341696.